The following is an entry in ClinVar:

ClinVar aggregate classification (germline): Uncertain significance (1 of 4 stars; one submission).

Allele frequency attached by ClinVar (database versions not stated): gnomAD exomes 0.00001.
gnomAD v4.1: 6 of 1,614,084 alleles (0.00037%); highest among the groups gnomAD compares: Non-Finnish European, 0.00051%; no homozygotes.

Submission:

Labcorp Genetics (formerly Invitae), Labcorp
Classification: Uncertain significance. Last evaluated: 2022-12-21. Review status: criteria provided, single submitter. Criteria: Invitae Variant Classification Sherloc (09022015). Collection method: clinical testing. Allele origin: germline.
Comment: This sequence change replaces proline, which is neutral and non-polar, with arginine, which is basic and polar, at codon 244 of the RP1 protein (p.Pro244Arg). This variant is not present in population databases (gnomAD no frequency). This variant has not been reported in the literature in individuals affected with RP1-related conditions. Algorithms developed to predict the effect of missense changes on protein structure and function (SIFT, PolyPhen-2, Align-GVGD) all suggest that this variant is likely to be disruptive. In summary, the available evidence is currently insufficient to determine the role of this variant in disease. Therefore, it has been classified as a Variant of Uncertain Significance.

NM_006269.2(RP1):c.731C>G (p.Pro244Arg)

Gene: RP1 (RP1 axonemal microtubule associated; plus strand). Cytogenetic location: 8q12.1.
Variant type: single nucleotide variant.
Coding change: c.731C>G on transcript NM_006269.2 (MANE Select); coding-DNA position 731, C replaced by G.
Protein change: p.Pro244Arg; replaces proline 244 with arginine.
Molecular consequence: missense variant.
Genome position (GRCh38, 1-based): chr8:54,622,232, C>G. VCF-style: chr8-54622232-C-G. GRCh37 (hg19) VCF-style: chr8-55534792-C-G.
Other names: c.731C>G, p.Pro244Arg (NM_001375654.1); short protein forms P244R.
Identifiers: ClinVar variation 1942943 (VCV001942943.5), dbSNP rs2536560532, ClinGen allele CA370988155.